The following is an entry in ClinVar:

NM_019032.6(ADAMTSL4):c.2829G>A (p.Thr943=)

Gene: ADAMTSL4 (ADAMTS like 4; plus strand). Cytogenetic location: 1q21.2.
Variant type: single nucleotide variant.
Coding change: c.2829G>A on transcript NM_019032.6 (MANE Select); coding-DNA position 2829, G replaced by A.
Protein change: p.Thr943=; no amino-acid change (threonine 943 retained).
Molecular consequence: synonymous variant.
Genome position (GRCh38, 1-based): chr1:150,559,352, G>A. VCF-style: chr1-150559352-G-A. GRCh37 (hg19) VCF-style: chr1-150531828-G-A.
Other names: c.2712G>A, p.Thr904= (NM_001288607.2); c.2898G>A, p.Thr966= (NM_001288608.2); c.2829G>A, p.Thr943= (NM_001378596.1).
Identifiers: ClinVar variation 292560 (VCV000292560.20), dbSNP rs76546607, ClinGen allele CA1078854.
Genomic context (GRCh38, chr1:150,559,352, plus strand): 5'-CTCCGAATGTGGCTCTGGCACACAGCGTAGAGACATCATCTGTGTATCCAAACTGGGGAC[G>A]GAGTTCAACGTGACTTCTCCGAGCAACTGTTCTCACCTCCCCAGGCCCCCTGCCCTGCAG-3'
Protein context (NP_061905.2, residues 933-953): RDIICVSKLG[Thr943=]EFNVTSPSNC

ClinVar aggregate classification (germline): Benign/Likely benign. Review status: criteria provided, multiple submitters, no conflicts (2 of 4 stars). 8 submissions from 7 submitters: Benign (1); Likely benign (4). 3 of the submissions do not count toward it. Last evaluated 2026-02-02.

Conditions:
Ectopia lentis et pupillae. Also called: ECTOPIA LENTIS WITH ECTOPIA OF PUPIL. Identifiers: Orphanet 1885, MedGen C1644196, MONDO:0009153, OMIM 225200.
ADAMTSL4-related disorder. Also called: ADAMTSL4-related condition; ADAMTSL4-Related Disorders.
Ectopia lentis 2, isolated, autosomal recessive (ECTOL2). Identifiers: Orphanet 1885, MedGen C3541474, MONDO:0009152, OMIM 225100.

Allele frequency attached by ClinVar (database versions not stated): 1000 Genomes Project 0.00160; TOPMed 0.00162; 1000 Genomes Project 30x 0.00172; ESP Exome Variant Server 0.00185; gnomAD 0.00188 and 0.00218; gnomAD exomes 0.00202 and 0.00223; ExAC 0.00261.
gnomAD v4.1: 3,254 of 1,613,988 alleles (0.2%); highest among the groups gnomAD compares: Non-Finnish European, 0.21%; 9 homozygotes.

Submissions (8):

Labcorp Genetics (formerly Invitae), Labcorp
Classification: Benign. Last evaluated: 2026-02-02. Review status: criteria provided, single submitter. Criteria: Invitae Variant Classification Sherloc (09022015). Collection method: clinical testing. Allele origin: germline.

Blueprint Genetics
Classification: Likely benign. Last evaluated: 2024-11-22. Review status: criteria provided, single submitter. Criteria: ACMG Guidelines, 2015. Collection method: clinical testing. Allele origin: germline.

Genome-Nilou Lab
Classification: Likely benign for Ectopia lentis et pupillae. Last evaluated: 2023-04-11. Review status: criteria provided, single submitter. Criteria: ACMG Guidelines, 2015. Collection method: clinical testing. Allele origin: germline. Affected: no.

Genome-Nilou Lab
Classification: Likely benign for Ectopia lentis 2, isolated, autosomal recessive. Last evaluated: 2023-04-11. Review status: criteria provided, single submitter. Criteria: ACMG Guidelines, 2015. Collection method: clinical testing. Allele origin: germline. Affected: no.

Illumina Laboratory Services, Illumina
Classification: Likely benign for Ectopia lentis 2, isolated, autosomal recessive. Last evaluated: 2018-01-13. Review status: criteria provided, single submitter. Criteria: ICSL Variant Classification Criteria 13 December 2019. Collection method: clinical testing. Allele origin: germline.
Comment: This variant was observed in the ICSL laboratory as part of a predisposition screen in an ostensibly healthy population. It had not been previously curated by ICSL or reported in the Human Gene Mutation Database (HGMD: prior to June 1st, 2018), and was therefore a candidate for classification through an automated scoring system. Utilizing variant allele frequency, disease prevalence and penetrance estimates, and inheritance mode, an automated score was calculated to assess if this variant is too frequent to cause the disease. Based on the score and internal cut-off values, a variant classified as likely benign is not then subjected to further curation. The score for this variant resulted in a classification of likely benign for this disease.

PreventionGenetics, part of Exact Sciences
Classification: Benign for ADAMTSL4-related condition. Last evaluated: 2019-05-15. Review status: no assertion criteria provided. Collection method: clinical testing. Allele origin: germline. Not counted in ClinVar's aggregate classification.
Comment: This variant is classified as benign based on ACMG/AMP sequence variant interpretation guidelines (Richards et al. 2015 PMID: 25741868, with internal and published modifications).

Clinical Genetics DNA and cytogenetics Diagnostics Lab, Erasmus MC, Erasmus Medical Center
Classification: Likely benign. Review status: no assertion criteria provided. Collection method: clinical testing. Allele origin: germline. Affected: yes. Study: VKGL Data-share Consensus. Not counted in ClinVar's aggregate classification.

Genome Diagnostics Laboratory, Amsterdam University Medical Center
Classification: Likely benign. Review status: no assertion criteria provided. Collection method: clinical testing. Allele origin: germline. Affected: yes. Study: VKGL Data-share Consensus. Not counted in ClinVar's aggregate classification.